The following is an entry in ClinVar:

NM_001184.4(ATR):c.3876del (p.Gln1293fs)

Gene: ATR (ATR checkpoint kinase; minus strand). Cytogenetic location: 3q23.
Variant type: Deletion.
Coding change: c.3876del on transcript NM_001184.4 (MANE Select); coding-DNA position 3876, one base deleted (T; older notation c.3876delT).
Protein change: p.Gln1293fs; shifts the reading frame from glutamine 1293.
Molecular consequence: frameshift variant.
Genome position (GRCh38, 1-based): chr3:142,535,149, A deleted on the plus strand (T on the coding strand, the reverse complement: ATR is on the minus strand); the first of 2 consecutive A bases (chr3:142,535,149-142,535,150); deleting either gives the same sequence. VCF-style (leftmost placement, unchanged base first): chr3-142535148-GA-G. GRCh37 (hg19) VCF-style: chr3-142253990-GA-G.
Other names: c.3684del, p.Gln1229fs (NM_001354579.2); short protein forms Q1229fs, Q1293fs.
Identifiers: ClinVar variation 3728839 (VCV003728839.2).
Genomic context (GRCh38, chr3:142,535,148, plus strand): 5'-TATACAAGGTTTCCTTCAAGCTTGTAAGAGCATGAATACGAACATCGACATTTTCATGTT[GA>G]ATGGCCTTCATAGAGAGCTGAAGAGTTGTCTGAAGATCAGTGCTCTCAGAGGTCTCCTAT-3'

ClinVar aggregate classification (germline): Pathogenic (1 of 4 stars; one submission).

Submission:

Labcorp Genetics (formerly Invitae), Labcorp
Classification: Pathogenic. Last evaluated: 2025-01-12. Review status: criteria provided, single submitter. Criteria: Invitae Variant Classification Sherloc (09022015). Collection method: clinical testing. Allele origin: germline.
Comment: This sequence change creates a premature translational stop signal (p.Gln1293Asnfs*15) in the ATR gene. It is expected to result in an absent or disrupted protein product. Loss-of-function variants in ATR are known to be pathogenic (PMID: 21228398, 23144622). This variant is not present in population databases (gnomAD no frequency). This variant has not been reported in the literature in individuals affected with ATR-related conditions. For these reasons, this variant has been classified as Pathogenic.

Literature cited by the submitters: PubMed 21228398; PubMed 23144622.